The following is an entry in ClinVar:

ClinVar aggregate classification (germline): Uncertain significance. Review status: criteria provided, multiple submitters, no conflicts (2 of 4 stars). 2 submissions from 2 submitters: Uncertain significance (2). Last evaluated 2024-10-21.

Conditions:
Inborn genetic diseases. Identifiers: MedGen C0950123, MeSH D030342.

gnomAD v4.1: 4 of 1,613,922 alleles (0.00025%); highest among the groups gnomAD compares: East Asian, 0.0022%; no homozygotes.

Submissions (2):

Labcorp Genetics (formerly Invitae), Labcorp
Classification: Uncertain significance. Last evaluated: 2024-10-21. Review status: criteria provided, single submitter. Criteria: Invitae Variant Classification Sherloc (09022015). Collection method: clinical testing. Allele origin: germline.
Comment: This sequence change replaces glutamic acid, which is acidic and polar, with lysine, which is basic and polar, at codon 1496 of the DUOX2 protein (p.Glu1496Lys). This variant is not present in population databases (gnomAD no frequency). This variant has not been reported in the literature in individuals affected with DUOX2-related conditions. Invitae Evidence Modeling of protein sequence and biophysical properties (such as structural, functional, and spatial information, amino acid conservation, physicochemical variation, residue mobility, and thermodynamic stability) indicates that this missense variant is not expected to disrupt DUOX2 protein function with a negative predictive value of 95%. In summary, the available evidence is currently insufficient to determine the role of this variant in disease. Therefore, it has been classified as a Variant of Uncertain Significance.

Ambry Genetics
Classification: Uncertain significance for Inborn genetic diseases. Last evaluated: 2024-08-27. Review status: criteria provided, single submitter. Criteria: Ambry Variant Classification Scheme 2023. Collection method: clinical testing. Allele origin: germline.

NM_001363711.2(DUOX2):c.4486G>A (p.Glu1496Lys)

Gene: DUOX2 (dual oxidase 2; minus strand). Cytogenetic location: 15q21.1.
Variant type: single nucleotide variant.
Coding change: c.4486G>A on transcript NM_001363711.2 (MANE Select); coding-DNA position 4486, G replaced by A.
Protein change: p.Glu1496Lys; replaces glutamic acid 1496 with lysine.
Molecular consequence: missense variant.
Genome position (GRCh38, 1-based): chr15:45,094,601, C>T on the plus strand (G>A on the coding strand, the complement: DUOX2 is on the minus strand). VCF-style: chr15-45094601-C-T. GRCh37 (hg19) VCF-style: chr15-45386799-C-T.
Other names: c.4486G>A, p.Glu1496Lys (NM_014080.5); short protein forms E1496K.
Identifiers: ClinVar variation 3505748 (VCV003505748.3).